The following is an entry in ClinVar:

NM_001429.4(EP300):c.3031G>C (p.Glu1011Gln)

Genes: EP300 (EP300 lysine acetyltransferase; plus strand), LOC126863158 (BRD4-independent group 4 enhancer GRCh37_chr22:41547383-41548582; plus strand). Cytogenetic location: 22q13.2.
Variant type: single nucleotide variant.
Coding change: c.3031G>C on transcript NM_001429.4 (MANE Select); coding-DNA position 3031, G replaced by C.
Protein change: p.Glu1011Gln; replaces glutamic acid 1011 with glutamine.
Molecular consequence: missense variant.
Genome position (GRCh38, 1-based): chr22:41,152,239, G>C. VCF-style: chr22-41152239-G-C. GRCh37 (hg19) VCF-style: chr22-41548243-G-C.
Other names: c.2953G>C, p.Glu985Gln (NM_001362843.2); short protein forms E1011Q, E985Q.
Identifiers: ClinVar variation 441039 (VCV000441039.6), dbSNP rs775368605, ClinGen allele CA10253033.

ClinVar aggregate classification (germline): Conflicting classifications of pathogenicity. Review status: criteria provided, conflicting classifications (1 of 4 stars). 2 submissions from 2 submitters: Uncertain significance (1); Likely benign (1). Last evaluated 2024-07-02.

Conditions:
Developmental and epileptic encephalopathy, 18 (DEE18). Also called: Early infantile epileptic encephalopathy 18. Identifiers: Orphanet 369894, MedGen C3809624, MONDO:0014201, OMIM 615476.
Rubinstein-Taybi syndrome due to EP300 haploinsufficiency. Also called: EP300-Related Rubinstein-Taybi Syndrome; RUBINSTEIN-TAYBI SYNDROME 2. Identifiers: Orphanet 353284, Orphanet 783, MedGen C3150941, MONDO:0013364, OMIM 613684.
Inborn genetic diseases. Identifiers: MedGen C0950123, MeSH D030342.

Allele frequency attached by ClinVar (database versions not stated): TOPMed 0.00002.
gnomAD v4.1: 19 of 1,614,024 alleles (0.0012%); highest among the groups gnomAD compares: Non-Finnish European, 0.0015%; no homozygotes.

Submissions (2):

Ambry Genetics
Classification: Likely benign for Inborn genetic diseases. Last evaluated: 2024-07-02. Review status: criteria provided, single submitter. Criteria: Ambry Variant Classification Scheme 2023. Collection method: clinical testing. Allele origin: germline.

Labcorp Genetics (formerly Invitae), Labcorp
Classification: Uncertain significance for Rubinstein-Taybi syndrome due to EP300 haploinsufficiency. Last evaluated: 2023-03-27. Review status: criteria provided, single submitter. Criteria: Invitae Variant Classification Sherloc (09022015). Collection method: clinical testing. Allele origin: germline.
Comment: In summary, the available evidence is currently insufficient to determine the role of this variant in disease. Therefore, it has been classified as a Variant of Uncertain Significance. Advanced modeling of protein sequence and biophysical properties (such as structural, functional, and spatial information, amino acid conservation, physicochemical variation, residue mobility, and thermodynamic stability) performed at Invitae indicates that this missense variant is not expected to disrupt EP300 protein function. ClinVar contains an entry for this variant (Variation ID: 441039). This variant has not been reported in the literature in individuals affected with EP300-related conditions. This variant is present in population databases (rs775368605, gnomAD 0.004%). This sequence change replaces glutamic acid, which is acidic and polar, with glutamine, which is neutral and polar, at codon 1011 of the EP300 protein (p.Glu1011Gln).